The following is an entry in ClinVar:

NM_001031689.3(PLAA):c.2021A>C (p.Lys674Thr)

Gene: PLAA (phospholipase A2 activating protein; minus strand). Cytogenetic location: 9p21.2.
Variant type: single nucleotide variant.
Coding change: c.2021A>C on transcript NM_001031689.3 (MANE Select); coding-DNA position 2021, A replaced by C.
Protein change: p.Lys674Thr; replaces lysine 674 with threonine.
Molecular consequence: missense variant.
Genome position (GRCh38, 1-based): chr9:26,905,878, T>G on the plus strand (A>C on the coding strand, the complement: PLAA is on the minus strand). VCF-style: chr9-26905878-T-G. GRCh37 (hg19) VCF-style: chr9-26905876-T-G.
Other names: c.1952A>C, p.Lys651Thr (NM_001321546.2); short protein forms K674T, K651T.
Identifiers: ClinVar variation 2012731 (VCV002012731.4), dbSNP rs371139720, ClinGen allele CA5014184.

ClinVar aggregate classification (germline): Uncertain significance (1 of 4 stars; one submission).

Allele frequency attached by ClinVar (database versions not stated): TOPMed below 0.00001; gnomAD 0.00001; ExAC 0.00002; gnomAD exomes 0.00002; ESP Exome Variant Server 0.00008.
gnomAD v4.1: 10 of 1,614,070 alleles (0.00062%); highest among the groups gnomAD compares: East Asian, 0.0022%; no homozygotes.

Submission:

Labcorp Genetics (formerly Invitae), Labcorp
Classification: Uncertain significance. Last evaluated: 2022-08-10. Review status: criteria provided, single submitter. Criteria: Invitae Variant Classification Sherloc (09022015). Collection method: clinical testing. Allele origin: germline.
Comment: This sequence change replaces lysine, which is basic and polar, with threonine, which is neutral and polar, at codon 674 of the PLAA protein (p.Lys674Thr). This variant is present in population databases (rs371139720, gnomAD 0.003%). This variant has not been reported in the literature in individuals affected with PLAA-related conditions. Algorithms developed to predict the effect of missense changes on protein structure and function (SIFT, PolyPhen-2, Align-GVGD) all suggest that this variant is likely to be tolerated. In summary, the available evidence is currently insufficient to determine the role of this variant in disease. Therefore, it has been classified as a Variant of Uncertain Significance.